The following is an entry in ClinVar:

ClinVar aggregate classification (germline): Uncertain significance (1 of 4 stars; one submission).

Submission:

GeneDx
Classification: Uncertain significance. Last evaluated: 2023-06-26. Review status: criteria provided, single submitter. Criteria: GeneDx Variant Classification Process June 2021. Collection method: clinical testing. Allele origin: germline. Affected: yes.
Comment: Not observed at significant frequency in large population cohorts (gnomAD); In silico analysis supports that this missense variant does not alter protein structure/function; Has not been previously published as pathogenic or benign to our knowledge

NM_001004127.3(ALG11):c.164C>G (p.Thr55Ser)

Gene: ALG11 (ALG11 alpha-1,2-mannosyltransferase; plus strand). Cytogenetic location: 13q14.3.
Variant type: single nucleotide variant.
Coding change: c.164C>G on transcript NM_001004127.3 (MANE Select); coding-DNA position 164, C replaced by G.
Protein change: p.Thr55Ser; replaces threonine 55 with serine.
Molecular consequence: missense variant.
Genome position (GRCh38, 1-based): chr13:52,019,032, C>G. VCF-style: chr13-52019032-C-G. GRCh37 (hg19) VCF-style: chr13-52593168-C-G.
Other names: short protein forms T55S.
Identifiers: ClinVar variation 3359817 (VCV003359817.1).